The following is an entry in ClinVar:

NM_001038.6(SCNN1A):c.121C>T (p.Pro41Ser)

Gene: SCNN1A (sodium channel epithelial 1 subunit alpha; minus strand). Cytogenetic location: 12p13.31.
Variant type: single nucleotide variant.
Coding change: c.121C>T on transcript NM_001038.6 (MANE Select); coding-DNA position 121, C replaced by T.
Protein change: p.Pro41Ser; replaces proline 41 with serine.
Molecular consequence: missense variant.
Genome position (GRCh38, 1-based): chr12:6,374,663, G>A on the plus strand (C>T on the coding strand, the complement: SCNN1A is on the minus strand). VCF-style: chr12-6374663-G-A. GRCh37 (hg19) VCF-style: chr12-6483829-G-A.
Other names: c.190C>T, p.Pro64Ser (NM_001159575.2); c.298C>T, p.Pro100Ser (NM_001159576.2); short protein forms P41S, P100S, P64S.
Identifiers: ClinVar variation 5008829 (VCV005008829.1).

ClinVar aggregate classification (germline): Uncertain significance (1 of 4 stars; one submission).

Submission:

GeneDx
Classification: Uncertain significance. Last evaluated: 2026-03-16. Review status: criteria provided, single submitter. Criteria: GeneDx Variant Classification Process June 2021. Collection method: clinical testing. Allele origin: germline.
Comment: Not observed at significant frequency in large population cohorts (gnomAD); In silico analysis suggests that this missense variant does not alter protein structure/function; Has not been previously published as pathogenic or benign to our knowledge